The following is an entry in ClinVar:

NM_000138.5(FBN1):c.6634C>T (p.Gln2212Ter)

Gene: FBN1 (fibrillin 1; minus strand). Cytogenetic location: 15q21.1.
Variant type: single nucleotide variant.
Coding change: c.6634C>T on transcript NM_000138.5 (MANE Select); coding-DNA position 6634, C replaced by T.
Protein change: p.Gln2212Ter; replaces glutamine 2212 with a stop codon.
Molecular consequence: nonsense.
Genome position (GRCh38, 1-based): chr15:48,432,971, G>A on the plus strand (C>T on the coding strand, the complement: FBN1 is on the minus strand). VCF-style: chr15-48432971-G-A. GRCh37 (hg19) VCF-style: chr15-48725168-G-A.
Other names: short protein forms Q2212*.
Identifiers: ClinVar variation 684603 (VCV000684603.11), dbSNP rs1597522553, ClinGen allele CA392333677.

ClinVar aggregate classification (germline): Pathogenic. Review status: criteria provided, multiple submitters, no conflicts (2 of 4 stars). 5 submissions from 5 submitters: Pathogenic (4). 1 of the submissions does not count toward it. Last evaluated 2025-05-27.

Conditions:
Marfan syndrome (MFS). Also called: MARFAN SYNDROME, TYPE I; FBN1-Related Marfan Syndrome; Marfan syndrome type 1; Marfan's syndrome; Marfan syndrome, classic. Identifiers: Orphanet 284963, Orphanet 558, MedGen C0024796, MONDO:0007947, OMIM 154700.
Familial thoracic aortic aneurysm and aortic dissection (TAAD). Also called: Thoracic aortic aneurysms and dissections. Identifiers: Orphanet 91387, MedGen C4707243, MONDO:0019625.

Submissions (5):

GeneDx
Classification: Pathogenic. Last evaluated: 2025-05-27. Review status: criteria provided, single submitter. Criteria: GeneDx Variant Classification Process June 2021. Collection method: clinical testing. Allele origin: germline. Affected: yes.
Comment: Nonsense variant predicted to result in protein truncation or nonsense mediated decay in a gene for which loss of function is a known mechanism of disease; Not observed at significant frequency in large population cohorts (gnomAD); This variant is associated with the following publications: (PMID: 31730815)

3billion
Classification: Pathogenic for Marfan syndrome. Last evaluated: 2024-09-27. Review status: criteria provided, single submitter. Criteria: ACMG Guidelines, 2015. Collection method: clinical testing. Allele origin: germline. Affected: yes.
Comment: The variant is not observed in the gnomAD v4.0.0 dataset. Predicted Consequence/Location: Stop-gained (nonsense): predicted to result in a loss or disruption of normal protein function through nonsense-mediated decay (NMD) or protein truncation. Multiple pathogenic variants are reported downstream of the variant. The variant has been reported at least twice as pathogenic without evidence for the classification (ClinVar ID: VCV000684603 /PMID: 31730815). Therefore, this variant is classified as Pathogenic according to the recommendation of ACMG/AMP guideline.

Labcorp Genetics (formerly Invitae), Labcorp
Classification: Pathogenic for Marfan syndrome; Familial thoracic aortic aneurysm and aortic dissection. Last evaluated: 2023-12-09. Review status: criteria provided, single submitter. Criteria: Invitae Variant Classification Sherloc (09022015). Collection method: clinical testing. Allele origin: germline.
Comment: This sequence change creates a premature translational stop signal (p.Gln2212*) in the FBN1 gene. It is expected to result in an absent or disrupted protein product. Loss-of-function variants in FBN1 are known to be pathogenic (PMID: 17657824, 19293843). This variant is not present in population databases (gnomAD no frequency). This variant has not been reported in the literature in individuals affected with FBN1-related conditions. ClinVar contains an entry for this variant (Variation ID: 684603). For these reasons, this variant has been classified as Pathogenic.

Laboratory for Molecular Medicine, Mass General Brigham Personalized Medicine
Classification: Pathogenic for Marfan syndrome. Last evaluated: 2016-02-29. Review status: criteria provided, single submitter. Criteria: ACMG Guidelines, 2015. Collection method: clinical testing. Allele origin: germline.
Comment: The p.Gln2212X variant in FBN1 has not been previously reported in individuals with Marfan syndrome or in large population studies. This nonsense variant leads to a premature termination codon at position 2212, which is predicted to lead to a truncated or absent protein. Heterozygous loss of function of the FBN1 gene is an established disease mechanism in Marfan syndrome. In summary, this variant meets our criteria to be classified as pathogenic for Marfan syndrome in an autosomal dominant manner based upon its predicted impact to the protein.

Sangiuolo Lab - Medical Genetics Laboratory, Tor Vergata University
Classification: Pathogenic for Marfan syndrome. Last evaluated: 2019-06-06. Review status: no assertion criteria provided. Collection method: clinical testing. Allele origin: germline. Affected: yes. Not counted in ClinVar's aggregate classification.

Literature cited by the submitters: PubMed 31730815 (cited by 3billion and Sangiuolo Lab - Medical Genetics Laboratory, Tor Vergata University); PubMed 17657824 (cited by Labcorp Genetics (formerly Invitae), Labcorp); PubMed 19293843 (cited by Labcorp Genetics (formerly Invitae), Labcorp).